The following is an entry in ClinVar:

NM_000222.3(KIT):c.1052T>A (p.Met351Lys)

Gene: KIT (KIT proto-oncogene, receptor tyrosine kinase; plus strand). Cytogenetic location: 4q12.
Variant type: single nucleotide variant.
Coding change: c.1052T>A on transcript NM_000222.3 (MANE Select); coding-DNA position 1052, T replaced by A.
Protein change: p.Met351Lys; replaces methionine 351 with lysine.
Molecular consequence: missense variant.
Genome position (GRCh38, 1-based): chr4:54,707,224, T>A. VCF-style: chr4-54707224-T-A. GRCh37 (hg19) VCF-style: chr4-55573390-T-A.
Other names: c.1052T>A, p.Met351Lys (NM_001093772.2, NM_001385285.1, NM_001385286.1); c.1055T>A, p.Met352Lys (NM_001385284.1, NM_001385288.1, NM_001385290.1 and 1 more transcripts); short protein forms M352K, M351K.
Identifiers: ClinVar variation 5023319 (VCV005023319.1).
Genomic context (GRCh38, chr4:54,707,224, plus strand): 5'-TAGATTTGATTGTTGAATATGAAGCATTCCCCAAACCTGAACACCAGCAGTGGATCTATA[T>A]GAACAGAACCTTCACTGATAAATGGGAAGATTATCCCAAGTCTGAGAATGAAAGTAATAT-3'
Protein context (NP_000213.1, residues 341-361): PKPEHQQWIY[Met351Lys]NRTFTDKWED

ClinVar aggregate classification (germline): Uncertain significance (1 of 4 stars; one submission).

Conditions:
Hereditary cancer-predisposing syndrome. Also called: Neoplastic Syndromes, Hereditary; Tumor predisposition; Hereditary neoplastic syndrome; Hereditary Cancer Syndrome. Identifiers: Orphanet 140162, MedGen C0027672, MeSH D009386, MONDO:0015356.

Submission:

Ambry Genetics
Classification: Uncertain significance for Hereditary cancer-predisposing syndrome. Last evaluated: 2026-07-07. Review status: criteria provided, single submitter. Criteria: Ambry Variant Classification Scheme 2023. Collection method: clinical testing. Allele origin: germline.
Comment: The p.M351K variant (also known as c.1052T>A), located in coding exon 6 of the KIT gene, results from a T to A substitution at nucleotide position 1052. The methionine at codon 351 is replaced by lysine, an amino acid with similar properties. This amino acid position is conserved. In addition, the in silico prediction for this alteration is inconclusive. Based on the available evidence, the clinical significance of this variant remains unclear.